The following is an entry in ClinVar:

ClinVar aggregate classification (germline): Pathogenic (1 of 4 stars; one submission).

Submission:

Labcorp Genetics (formerly Invitae), Labcorp
Classification: Pathogenic. Last evaluated: 2022-01-06. Review status: criteria provided, single submitter. Criteria: Invitae Variant Classification Sherloc (09022015). Collection method: clinical testing. Allele origin: germline.
Comment: For these reasons, this variant has been classified as Pathogenic. This variant has not been reported in the literature in individuals affected with TPP1-related conditions. This variant is not present in population databases (gnomAD no frequency). This sequence change creates a premature translational stop signal (p.Gln158*) in the TPP1 gene. It is expected to result in an absent or disrupted protein product. Loss-of-function variants in TPP1 are known to be pathogenic (PMID: 10330339).

Literature cited by the submitters: PubMed 10330339.

NM_000391.4(TPP1):c.472C>T (p.Gln158Ter)

Gene: TPP1 (tripeptidyl peptidase 1; minus strand). Cytogenetic location: 11p15.4.
Variant type: single nucleotide variant.
Coding change: c.472C>T on transcript NM_000391.4 (MANE Select); coding-DNA position 472, C replaced by T.
Protein change: p.Gln158Ter; replaces glutamine 158 with a stop codon.
Molecular consequence: nonsense.
Genome position (GRCh38, 1-based): chr11:6,617,337, G>A on the plus strand (C>T on the coding strand, the complement: TPP1 is on the minus strand). VCF-style: chr11-6617337-G-A. GRCh37 (hg19) VCF-style: chr11-6638568-G-A.
Other names: short protein forms Q158*.
Identifiers: ClinVar variation 1458603 (VCV001458603.6), dbSNP rs2134595625, ClinGen allele CA379475763.